The following is an entry in ClinVar:

ClinVar aggregate classification (germline): Uncertain significance (1 of 4 stars; one submission).

Submission:

Labcorp Genetics (formerly Invitae), Labcorp
Classification: Uncertain significance. Last evaluated: 2025-06-18. Review status: criteria provided, single submitter. Criteria: Invitae Variant Classification Sherloc (09022015). Collection method: clinical testing. Allele origin: germline.
Comment: This sequence change replaces glutamine, which is neutral and polar, with leucine, which is neutral and non-polar, at codon 292 of the BLK protein (p.Gln292Leu). This variant is not present in population databases (gnomAD no frequency). This variant has not been reported in the literature in individuals affected with BLK-related conditions. An algorithm developed to predict the effect of missense changes on protein structure and function (PolyPhen-2) suggests that this variant is likely to be disruptive. In summary, the available evidence is currently insufficient to determine the role of this variant in disease. Therefore, it has been classified as a Variant of Uncertain Significance.

NM_001715.3(BLK):c.875A>T (p.Gln292Leu)

Genes: BLK (BLK proto-oncogene, Src family tyrosine kinase), BLK-AS1 (BLK antisense RNA 1). Cytogenetic location: 8p23.1.
Variant type: single nucleotide variant.
Coding change: c.875A>T on transcript NM_001715.3 (MANE Select); coding-DNA position 875, A replaced by T.
Protein change: p.Gln292Leu; replaces glutamine 292 with leucine.
Molecular consequence: missense variant.
Genome position (GRCh38, 1-based): chr8:11,556,760, A>T. VCF-style: chr8-11556760-A-T. GRCh37 (hg19) VCF-style: chr8-11414269-A-T.
Other names: c.662A>T, p.Gln221Leu (NM_001330465.2); short protein forms Q221L, Q292L.
Identifiers: ClinVar variation 4806888 (VCV004806888.1).
Genomic context (GRCh38, chr8:11,556,760, plus strand): 5'-AGGAGGGAACCATGTCTCCAGAAGCCTTTCTGGGTGAGGCCAACGTGATGAAGGCTCTGC[A>T]GCACGAGCGGCTGGTCCGACTCTACGCAGTGGTCACCAAGGAGCCCATCTACATTGTCAC-3'
Protein context (NP_001706.2, residues 282-302): LGEANVMKAL[Gln292Leu]HERLVRLYAV